The following is an entry in ClinVar:

NM_020347.4(LZTFL1):c.765C>G (p.His255Gln)

Gene: LZTFL1 (leucine zipper transcription factor like 1; minus strand). Cytogenetic location: 3p21.31.
Variant type: single nucleotide variant.
Coding change: c.765C>G on transcript NM_020347.4 (MANE Select); coding-DNA position 765, C replaced by G.
Protein change: p.His255Gln; replaces histidine 255 with glutamine.
Molecular consequence: missense variant. On other transcripts: non-coding transcript variant (2).
Genome position (GRCh38, 1-based): chr3:45,828,451, G>C on the plus strand (C>G on the coding strand, the complement: LZTFL1 is on the minus strand). VCF-style: chr3-45828451-G-C. GRCh37 (hg19) VCF-style: chr3-45869943-G-C.
Other names: p.His255Gln; c.714C>G, p.His238Gln (NM_001276378.2, NM_001386451.1, NM_001405922.1 and 4 more transcripts); c.753C>G, p.His251Gln (NM_001276379.2, NM_001405921.1); c.765C>G, p.His255Gln (NM_001386452.1); c.789C>G, p.His263Gln (NM_001405920.1, NM_001405925.1); c.699C>G, p.His233Gln (NM_001405924.1); c.765C>G (NM_020347.2); short protein forms H263Q, H233Q, H238Q, H251Q, H255Q.
Identifiers: ClinVar variation 4540858 (VCV004540858.1).
Genomic context (GRCh38, chr3:45,828,451, plus strand): 5'-CATTAATCATGCATTAACAGACAAATCCCTTAAACATGGTCTTCTGACCTTTTCAGCCAT[G>C]TGCAGCTGCTCCTGAACCCTGAGTAGATCGTGCTTGGCTGTCGCCAGATTCTCCTCCAGT-3'
Protein context (NP_065080.1, residues 245-265): HDLLRVQEQL[His255Gln]MAEKELEKKF

ClinVar aggregate classification (germline): Uncertain significance. Review status: criteria provided, multiple submitters, no conflicts (2 of 4 stars). 2 submissions from 2 submitters: Uncertain significance (2). Last evaluated 2025-12-10.

Conditions:
Inborn genetic diseases. Identifiers: MedGen C0950123, MeSH D030342.

gnomAD v4.1: 2 of 1,613,562 alleles (0.00012%); highest among the groups gnomAD compares: Non-Finnish European, 0.00017%; no homozygotes.

Submissions (2):

Ambry Genetics
Classification: Uncertain significance for Inborn genetic diseases. Last evaluated: 2025-12-10. Review status: criteria provided, single submitter. Criteria: Ambry Variant Classification Scheme 2023. Collection method: clinical testing. Allele origin: germline.

Mayo Clinic Laboratories, Mayo Clinic
Classification: Uncertain significance. Last evaluated: 2025-05-05. Review status: criteria provided, single submitter. Criteria: ACMG Guidelines, 2015. Collection method: clinical testing. Allele origin: germline. Observed: 1 variant allele.
Comment: BP4_moderate, PM2_supporting